The following is an entry in ClinVar:

ClinVar aggregate classification (germline): Uncertain significance (1 of 4 stars; one submission).

Conditions:
Wilms tumor 1 (WT1). Also called: Wilms tumor, somatic. Identifiers: Orphanet 654, MedGen CN033288, MONDO:0008679, OMIM 194070.

Submission:

Labcorp Genetics (formerly Invitae), Labcorp
Classification: Uncertain significance for Wilms tumor 1. Last evaluated: 2022-04-12. Review status: criteria provided, single submitter. Criteria: Invitae Variant Classification Sherloc (09022015). Collection method: clinical testing. Allele origin: germline.
Comment: Algorithms developed to predict the effect of missense changes on protein structure and function output the following: SIFT: "Tolerated"; PolyPhen-2: "Benign"; Align-GVGD: "Class C0". The threonine amino acid residue is found in multiple mammalian species, which suggests that this missense change does not adversely affect protein function. In summary, the available evidence is currently insufficient to determine the role of this variant in disease. Therefore, it has been classified as a Variant of Uncertain Significance. ClinVar contains an entry for this variant (Variation ID: 961836). This variant has not been reported in the literature in individuals affected with GPC3-related conditions. This variant is not present in population databases (gnomAD no frequency). This sequence change replaces serine, which is neutral and polar, with threonine, which is neutral and polar, at codon 550 of the GPC3 protein (p.Ser550Thr).

NM_004484.4(GPC3):c.1649G>C (p.Ser550Thr)

Gene: GPC3 (glypican 3; minus strand). Cytogenetic location: Xq26.2.
Variant type: single nucleotide variant.
Coding change: c.1649G>C on transcript NM_004484.4 (MANE Select); coding-DNA position 1649, G replaced by C.
Protein change: p.Ser550Thr; replaces serine 550 with threonine.
Molecular consequence: missense variant.
Genome position (GRCh38, 1-based): chrX:133,536,218, C>G on the plus strand (G>C on the coding strand, the complement: GPC3 is on the minus strand). VCF-style: chrX-133536218-C-G. GRCh37 (hg19) VCF-style: chrX-132670246-C-G.
Other names: c.1718G>C, p.Ser573Thr (NM_001164617.2); c.1601G>C, p.Ser534Thr (NM_001164618.2); c.1487G>C, p.Ser496Thr (NM_001164619.2); short protein forms S496T, S550T, S573T, S534T.
Identifiers: ClinVar variation 961836 (VCV000961836.10), dbSNP rs2069289201, ClinGen allele CA414702974.
Genomic context (GRCh38, chrX:133,536,218, plus strand): 5'-ATGGCCATGCTGGTGAGAAGCTTCAGCGGGGAATGAACGTTCCCGAGGTTGTGAAAGGTG[C>G]TTATCTCGTTGTCCTTCGGAGTTGCCTGCTGACTGTTTCCAGGCGCATCATCCACATCCA-3'
Protein context (NP_004475.1, residues 540-560): QQATPKDNEI[Ser550Thr]TFHNLGNVHS